The following is an entry in ClinVar:

NM_014425.5(INVS):c.916A>G (p.Lys306Glu)

Gene: INVS (inversin; plus strand). Cytogenetic location: 9q31.1.
Variant type: single nucleotide variant.
Coding change: c.916A>G on transcript NM_014425.5 (MANE Select); coding-DNA position 916, A replaced by G.
Protein change: p.Lys306Glu; replaces lysine 306 with glutamic acid.
Molecular consequence: missense variant. On other transcripts: 5 prime UTR variant (1), non-coding transcript variant (1).
Genome position (GRCh38, 1-based): chr9:100,246,625, A>G. VCF-style: chr9-100246625-A-G. GRCh37 (hg19) VCF-style: chr9-103008907-A-G.
Other names: c.628A>G, p.Lys210Glu (NM_001318381.2); c.-63A>G (NM_001318382.2); short protein forms K306E, K210E.
Identifiers: ClinVar variation 240912 (VCV000240912.7), dbSNP rs878854981, ClinGen allele CA10582609.

ClinVar aggregate classification (germline): Uncertain significance. Review status: criteria provided, multiple submitters, no conflicts (2 of 4 stars). 2 submissions from 2 submitters: Uncertain significance (2). Last evaluated 2024-06-17.

Conditions:
Infantile nephronophthisis (NPHP2). Also called: Nephronophthisis 2; Nephronophthisis 2, infantile. Identifiers: Orphanet 655, Orphanet 93591, MedGen C1865872, MONDO:0011190, OMIM 602088.
Nephronophthisis. Also called: Juvenile Nephronophthisis. Identifiers: Orphanet 655, MedGen C0687120, MONDO:0019005, HP:0000090.

Allele frequency attached by ClinVar (database versions not stated): gnomAD exomes 0.00001; TOPMed 0.00001.
gnomAD v4.1: 7 of 1,613,226 alleles (0.00043%); highest among the groups gnomAD compares: Middle Eastern, 0.017%; no homozygotes.

Submissions (2):

Fulgent Genetics
Classification: Uncertain significance for Infantile nephronophthisis. Last evaluated: 2024-06-17. Review status: criteria provided, single submitter. Criteria: ACMG Guidelines, 2015. Collection method: clinical testing. Allele origin: germline.

Labcorp Genetics (formerly Invitae), Labcorp
Classification: Uncertain significance for Nephronophthisis. Last evaluated: 2022-08-23. Review status: criteria provided, single submitter. Criteria: Invitae Variant Classification Sherloc (09022015). Collection method: clinical testing. Allele origin: germline.
Comment: This sequence change replaces lysine, which is basic and polar, with glutamic acid, which is acidic and polar, at codon 306 of the INVS protein (p.Lys306Glu). This variant is not present in population databases (gnomAD no frequency). This variant has not been reported in the literature in individuals affected with INVS-related conditions. ClinVar contains an entry for this variant (Variation ID: 240912). Algorithms developed to predict the effect of missense changes on protein structure and function output the following: SIFT: "Tolerated"; PolyPhen-2: "Benign"; Align-GVGD: "Class C0". The glutamic acid amino acid residue is found in multiple mammalian species, which suggests that this missense change does not adversely affect protein function. In summary, the available evidence is currently insufficient to determine the role of this variant in disease. Therefore, it has been classified as a Variant of Uncertain Significance.